The following is an entry in ClinVar:

NM_014363.6(SACS):c.13014T>C (p.Pro4338=)

Gene: SACS (sacsin molecular chaperone; minus strand). Cytogenetic location: 13q12.12.
Variant type: single nucleotide variant.
Coding change: c.13014T>C on transcript NM_014363.6 (MANE Select); coding-DNA position 13014, T replaced by C.
Protein change: p.Pro4338=; no amino-acid change (proline 4338 retained).
Molecular consequence: synonymous variant.
Genome position (GRCh38, 1-based): chr13:23,330,862, A>G on the plus strand (T>C on the coding strand, the complement: SACS is on the minus strand). VCF-style: chr13-23330862-A-G. GRCh37 (hg19) VCF-style: chr13-23905001-A-G.
Other names: c.13014T>C (NM_014363.5); c.12573T>C, p.Pro4191= (NM_001278055.2).
Identifiers: ClinVar variation 1136359 (VCV001136359.10), dbSNP rs374410231, ClinGen allele CA6910037.
Genomic context (GRCh38, chr13:23,330,862, plus strand): 5'-TTCATTCTGCAAATGTTTAAAAACTTCATTGGCAATGTCATGGTTCTCTGGATTTTTGTC[A>G]GGATGCCATTTCAAATACAACCGCCTAATAATCTTTTTTCGTTCCGATTCTGGAAGCTTC-3'
Protein context (NP_055178.3, residues 4328-4348): IIRRLYLKWH[Pro4338=]DKNPENHDIA

ClinVar aggregate classification (germline): Likely benign. Review status: criteria provided, multiple submitters, no conflicts (2 of 4 stars). 2 submissions from 2 submitters: Likely benign (2). Last evaluated 2026-02-19.

Conditions:
Spastic paraplegia. Identifiers: MedGen C0037772, HP:0001258.
SACS-related disorder. Also called: SACS-related condition.

Allele frequency attached by ClinVar (database versions not stated): gnomAD exomes below 0.00001 and 0.00001; ExAC 0.00002; ESP Exome Variant Server 0.00008; gnomAD 0.00011 and 0.00012; TOPMed 0.00014; 1000 Genomes Project 30x 0.00047; 1000 Genomes Project 0.00060.

Submissions (2):

PreventionGenetics, part of Exact Sciences
Classification: Likely benign for SACS-related condition. Last evaluated: 2026-02-19. Review status: criteria provided, single submitter. Criteria: ACMG Guidelines, 2015. Collection method: clinical testing. Allele origin: germline.
Comment: This variant is classified as likely benign based on ACMG/AMP sequence variant interpretation guidelines (Richards et al. 2015 PMID: 25741868, with internal and published modifications).

Labcorp Genetics (formerly Invitae), Labcorp
Classification: Likely benign for Spastic paraplegia. Last evaluated: 2026-01-13. Review status: criteria provided, single submitter. Criteria: Invitae Variant Classification Sherloc (09022015). Collection method: clinical testing. Allele origin: germline.